The following is an entry in ClinVar:

ClinVar aggregate classification (germline): Uncertain significance. Review status: criteria provided, multiple submitters, no conflicts (2 of 4 stars). 2 submissions from 2 submitters: Uncertain significance (2). Last evaluated 2026-02-06.

Conditions:
Hereditary cancer-predisposing syndrome. Also called: Tumor predisposition; Hereditary Cancer Syndrome; Neoplastic Syndromes, Hereditary; Hereditary neoplastic syndrome. Identifiers: Orphanet 140162, MedGen C0027672, MeSH D009386, MONDO:0015356.

Submissions (2):

Ambry Genetics
Classification: Uncertain significance for Hereditary cancer-predisposing syndrome. Last evaluated: 2026-02-06. Review status: criteria provided, single submitter. Criteria: Ambry Variant Classification Scheme 2023. Collection method: clinical testing. Allele origin: germline.
Comment: The p.W622R variant (also known as c.1864T>C), located in coding exon 14 of the SDHA gene, results from a T to C substitution at nucleotide position 1864. The tryptophan at codon 622 is replaced by arginine, an amino acid with dissimilar properties. This amino acid position is highly conserved in available vertebrate species. In addition, this alteration is predicted to be deleterious by in silico analysis. Based on the available evidence, the clinical significance of this variant remains unclear.

GeneDx
Classification: Uncertain significance. Last evaluated: 2023-05-04. Review status: criteria provided, single submitter. Criteria: GeneDx Variant Classification Process June 2021. Collection method: clinical testing. Allele origin: germline. Affected: yes.
Comment: Not observed at significant frequency in large population cohorts (gnomAD); In silico analysis supports that this missense variant has a deleterious effect on protein structure/function; Has not been previously published as pathogenic or benign to our knowledge

NM_004168.4(SDHA):c.1864T>C (p.Trp622Arg)

Gene: SDHA (succinate dehydrogenase complex flavoprotein subunit A; plus strand). Cytogenetic location: 5p15.33.
Variant type: single nucleotide variant.
Coding change: c.1864T>C on transcript NM_004168.4 (MANE Select); coding-DNA position 1864, T replaced by C.
Protein change: p.Trp622Arg; replaces tryptophan 622 with arginine.
Molecular consequence: missense variant.
Genome position (GRCh38, 1-based): chr5:254,462, T>C. VCF-style: chr5-254462-T-C. GRCh37 (hg19) VCF-style: chr5-254577-T-C.
Other names: c.1720T>C, p.Trp574Arg (NM_001294332.2); c.1621T>C, p.Trp541Arg (NM_001330758.2); short protein forms W622R, W541R, W574R.
Identifiers: ClinVar variation 480866 (VCV000480866.7), dbSNP rs1554002480, ClinGen allele CA359002000.
Genomic context (GRCh38, chr5:254,462, plus strand): 5'-GATGAGTACGATTACTCCAAGCCCATCCAGGGGCAACAGAAGAAGCCCTTTGAGGAGCAC[T>C]GGAGGAAGCACACCCTGTCCTATGTGGACGTTGGCACTGGGAAGGTCAGTGTGGAGCTCG-3'
Protein context (NP_004159.2, residues 612-632): GQQKKPFEEH[Trp622Arg]RKHTLSYVDV